The following is an entry in ClinVar:

ClinVar aggregate classification (germline): Uncertain significance. Review status: criteria provided, multiple submitters, no conflicts (2 of 4 stars). 3 submissions from 3 submitters: Uncertain significance (3). Last evaluated 2024-01-08.

Conditions:
Hereditary cancer-predisposing syndrome. Also called: Tumor predisposition; Hereditary Cancer Syndrome; Hereditary neoplastic syndrome; Neoplastic Syndromes, Hereditary. Identifiers: Orphanet 140162, MedGen C0027672, MeSH D009386, MONDO:0015356.
Hereditary pheochromocytoma and paraganglioma. Also called: Hereditary paragangliomas and pheochromocytomas; Hereditary Paraganglioma-Pheochromocytoma Syndromes; Hereditary pheochromocytoma-paraganglioma. Identifiers: Orphanet 29072, MedGen C4274332, MONDO:0017366.

Submissions (3):

GeneDx
Classification: Uncertain significance. Last evaluated: 2024-01-08. Review status: criteria provided, single submitter. Criteria: GeneDx Variant Classification Process June 2021. Collection method: clinical testing. Allele origin: germline. Affected: yes.
Comment: Not observed at significant frequency in large population cohorts (gnomAD); In silico analysis supports that this missense variant does not alter protein structure/function; Has not been previously published as pathogenic or benign to our knowledge

Labcorp Genetics (formerly Invitae), Labcorp
Classification: Uncertain significance for Hereditary pheochromocytoma and paraganglioma. Last evaluated: 2023-05-15. Review status: criteria provided, single submitter. Criteria: Invitae Variant Classification Sherloc (09022015). Collection method: clinical testing. Allele origin: germline.
Comment: This variant is not present in population databases (gnomAD no frequency). This sequence change replaces arginine, which is basic and polar, with lysine, which is basic and polar, at codon 141 of the SDHAF2 protein (p.Arg141Lys). This variant has not been reported in the literature in individuals affected with SDHAF2-related conditions. ClinVar contains an entry for this variant (Variation ID: 1493689). An algorithm developed to predict the effect of missense changes on protein structure and function (PolyPhen-2) suggests that this variant¬† is likely to be tolerated. In summary, the available evidence is currently insufficient to determine the role of this variant in disease. Therefore, it has been classified as a Variant of Uncertain Significance.

Ambry Genetics
Classification: Uncertain significance for Hereditary cancer-predisposing syndrome. Last evaluated: 2020-08-20. Review status: criteria provided, single submitter. Criteria: Ambry Variant Classification Scheme 2023. Collection method: clinical testing. Allele origin: germline.
Comment: The p.R141K variant (also known as c.422G>A), located in coding exon 4 of the SDHAF2 gene, results from a G to A substitution at nucleotide position 422. The arginine at codon 141 is replaced by lysine, an amino acid with highly similar properties. This amino acid position is not well conserved in available vertebrate species, and lysine is the reference amino acid in other vertebrate species. In addition, this alteration is predicted to be tolerated by in silico analysis. Since supporting evidence is limited at this time, the clinical significance of this alteration remains unclear.

NM_017841.4(SDHAF2):c.422G>A (p.Arg141Lys)

Gene: SDHAF2 (succinate dehydrogenase complex assembly factor 2; plus strand). Cytogenetic location: 11q12.2.
Variant type: single nucleotide variant.
Coding change: c.422G>A on transcript NM_017841.4 (MANE Select); coding-DNA position 422, G replaced by A.
Protein change: p.Arg141Lys; replaces arginine 141 with lysine.
Molecular consequence: missense variant.
Genome position (GRCh38, 1-based): chr11:61,445,992, G>A. VCF-style: chr11-61445992-G-A. GRCh37 (hg19) VCF-style: chr11-61213464-G-A.
Other names: short protein forms R141K.
Identifiers: ClinVar variation 1493689 (VCV001493689.8), dbSNP rs2134902022, ClinGen allele CA380685356.